The following is an entry in ClinVar:

ClinVar aggregate classification (germline): Uncertain significance. Review status: criteria provided, multiple submitters, no conflicts (2 of 4 stars). 2 submissions from 2 submitters: Uncertain significance (2). Last evaluated 2025-05-06.

Conditions:
Inborn genetic diseases. Identifiers: MedGen C0950123, MeSH D030342.

Allele frequency attached by ClinVar (database versions not stated): gnomAD exomes 0.00002 and below 0.00001; TOPMed 0.00003; gnomAD 0.00002; ExAC 0.00003.
gnomAD v4.1: 7 of 1,585,726 alleles (0.00044%); highest among the groups gnomAD compares: Admixed American, 0.0054%; no homozygotes.

Submissions (2):

Ambry Genetics
Classification: Uncertain significance for Inborn genetic diseases. Last evaluated: 2025-05-06. Review status: criteria provided, single submitter. Criteria: Ambry Variant Classification Scheme 2023. Collection method: clinical testing. Allele origin: germline.

Labcorp Genetics (formerly Invitae), Labcorp
Classification: Uncertain significance. Last evaluated: 2022-11-01. Review status: criteria provided, single submitter. Criteria: Invitae Variant Classification Sherloc (09022015). Collection method: clinical testing. Allele origin: germline.
Comment: This sequence change replaces glutamic acid, which is acidic and polar, with lysine, which is basic and polar, at codon 671 of the COL18A1 protein (p.Glu671Lys). This variant is present in population databases (rs770391575, gnomAD 0.01%). This variant has not been reported in the literature in individuals affected with COL18A1-related conditions. ClinVar contains an entry for this variant (Variation ID: 1389867). Experimental studies and prediction algorithms are not available or were not evaluated, and the functional significance of this variant is currently unknown. In summary, the available evidence is currently insufficient to determine the role of this variant in disease. Therefore, it has been classified as a Variant of Uncertain Significance.

NM_001379500.1(COL18A1):c.2011G>A (p.Glu671Lys)

Gene: COL18A1 (collagen type XVIII alpha 1 chain; plus strand). Cytogenetic location: 21q22.3.
Variant type: single nucleotide variant.
Coding change: c.2011G>A on transcript NM_001379500.1 (MANE Select); coding-DNA position 2011, G replaced by A.
Protein change: p.Glu671Lys; replaces glutamic acid 671 with lysine.
Molecular consequence: missense variant.
Genome position (GRCh38, 1-based): chr21:45,490,326, G>A. VCF-style: chr21-45490326-G-A. GRCh37 (hg19) VCF-style: chr21-46910240-G-A.
Other names: NM_130445.2:c.2011G>A; c.2551G>A, p.Glu851Lys (NM_030582.4); c.3256G>A, p.Glu1086Lys (NM_130444.3); short protein forms E671K, E1086K, E851K.
Identifiers: ClinVar variation 1389867 (VCV001389867.4), dbSNP rs770391575, ClinGen allele CA10066740.